The following is an entry in ClinVar:

NM_053025.4(MYLK):c.5500+1G>T

Genes: MYLK (myosin light chain kinase; minus strand), MYLK-AS1 (MYLK antisense RNA 1; plus strand). Cytogenetic location: 3q21.1.
Variant type: single nucleotide variant.
Coding change: c.5500+1G>T on transcript NM_053025.4 (MANE Select); the canonical splice donor site of the intron after coding-DNA position 5500, G replaced by T.
Molecular consequence: splice donor variant.
Genome position (GRCh38, 1-based): chr3:123,618,638, C>A on the plus strand (G>T on the coding strand, the complement: MYLK is on the minus strand). VCF-style: chr3-123618638-C-A. GRCh37 (hg19) VCF-style: chr3-123337485-C-A.
Other names: c.4972+1G>T (NM_001321309.2); c.5140+1G>T (NM_053028.4); c.5293+1G>T (NM_053026.4); c.5347+1G>T (NM_053027.4); c.217+1G>T (NM_001438035.1, NM_053031.4); c.220+1G>T (NM_053032.4).
Identifiers: ClinVar variation 4738427 (VCV004738427.1).

ClinVar aggregate classification (germline): Uncertain significance (1 of 4 stars; one submission).

Conditions:
Aortic aneurysm, familial thoracic 7 (AAT7). Also called: AORTIC DISSECTION, FAMILIAL, WITH OR WITHOUT AORTIC ANEURYSM. Identifiers: MedGen C3151077, MONDO:0013418, OMIM 613780.

gnomAD v4.1: 2 of 1,614,014 alleles (0.00012%); highest among the groups gnomAD compares: Non-Finnish European, 0.000085%; no homozygotes.

Submission:

Labcorp Genetics (formerly Invitae), Labcorp
Classification: Uncertain significance for Aortic aneurysm, familial thoracic 7. Last evaluated: 2025-08-17. Review status: criteria provided, single submitter. Criteria: Invitae Variant Classification Sherloc (09022015). Collection method: clinical testing. Allele origin: germline.
Comment: This sequence change affects a donor splice site in intron 33 of the MYLK gene. While this variant is not anticipated to result in nonsense mediated decay, it likely alters RNA splicing and results in a disrupted protein product. This variant is present in population databases (rs778413815, gnomAD 0.0009%). This variant has not been reported in the literature in individuals affected with MYLK-related conditions. Variants that disrupt the consensus splice site are a relatively common cause of aberrant splicing (PMID: 17576681, 9536098). Algorithms developed to predict the effect of sequence changes on RNA splicing suggest that this variant may disrupt the consensus splice site. In summary, the available evidence is currently insufficient to determine the role of this variant in disease. Therefore, it has been classified as a Variant of Uncertain Significance.

Literature cited by the submitters: PubMed 17576681; PubMed 9536098.